The following is an entry in ClinVar:

ClinVar aggregate classification (germline): Likely benign (1 of 4 stars; one submission).

Conditions:
Renal cysts and diabetes syndrome (RCAD). Also called: Familial hypoplastic, glomerulocystic kidney; MATURITY-ONSET DIABETES OF THE YOUNG, TYPE 5. Identifiers: Orphanet 93111, MedGen C0431693, MONDO:0007669, OMIM 137920.

Submission:

Institute of Human Genetics, FAU Erlangen, Friedrich-Alexander-Universität Erlangen-Nürnberg
Classification: Likely benign for Renal cysts and diabetes syndrome. Last evaluated: 2019-07-06. Review status: criteria provided, single submitter. Criteria: ACMG Guidelines, 2015. Collection method: literature only. Allele origin: germline. Affected: yes.
Comment: This variant and it's classification has been reported by Vasileiou et al. 2019; DOI:10.1101/576918. The variants has previously been reported in PMID:25441779 as "IVS3nt-4C>G" with clinical significance Likely pathogenic. It has been re-classified using InterVar and manual curation as Likely benign based on PM2 PP5 BP4 BP7.

Literature cited by the submitters: PubMed 25441779; DOI 10.1101/576918.

NM_000458.4(HNF1B):c.810-4C>G

Gene: HNF1B (HNF1 homeobox B; minus strand). Cytogenetic location: 17q12.
Variant type: single nucleotide variant.
Coding change: c.810-4C>G on transcript NM_000458.4 (MANE Select); 4 bases into the intron before coding-DNA position 810, C replaced by G.
Molecular consequence: intron variant.
Genome position (GRCh38, 1-based): chr17:37,731,834, G>C on the plus strand (C>G on the coding strand, the complement: HNF1B is on the minus strand). VCF-style: chr17-37731834-G-C. GRCh37 (hg19) VCF-style: chr17-36091825-G-C.
Other names: c.732-4C>G (NM_001304286.2, NM_001165923.4).
Identifiers: ClinVar variation 635646 (VCV000635646.1), dbSNP rs2511802413, ClinGen allele CA913190777.